The following is an entry in ClinVar:

ClinVar aggregate classification (germline): Uncertain significance (1 of 4 stars; one submission).

gnomAD v4.1: 2 of 1,614,052 alleles (0.00012%); highest among the groups gnomAD compares: Non-Finnish European, 0.00017%; no homozygotes.

Submission:

Ambry Genetics
Classification: Uncertain significance. Last evaluated: 2024-09-23. Review status: criteria provided, single submitter. Criteria: Ambry Variant Classification Scheme 2023. Collection method: clinical testing. Allele origin: germline.
Comment: The p.C630G variant (also known as c.1888T>G), located in coding exon 3 of the ALPK2 gene, results from a T to G substitution at nucleotide position 1888. The cysteine at codon 630 is replaced by glycine, an amino acid with highly dissimilar properties. This amino acid position is conserved. In addition, this alteration is predicted to be tolerated by in silico analysis. Based on the available evidence, the clinical significance of this variant remains unclear.

NM_052947.4(ALPK2):c.1888T>G (p.Cys630Gly)

Gene: ALPK2 (alpha kinase 2; minus strand). Cytogenetic location: 18q21.31.
Variant type: single nucleotide variant.
Coding change: c.1888T>G on transcript NM_052947.4 (MANE Select); coding-DNA position 1888, T replaced by G.
Protein change: p.Cys630Gly; replaces cysteine 630 with glycine.
Molecular consequence: missense variant.
Genome position (GRCh38, 1-based): chr18:58,578,888, A>C on the plus strand (T>G on the coding strand, the complement: ALPK2 is on the minus strand). VCF-style: chr18-58578888-A-C. GRCh37 (hg19) VCF-style: chr18-56246120-A-C.
Other names: short protein forms C630G.
Identifiers: ClinVar variation 3529823 (VCV003529823.1).